The following is an entry in ClinVar:

NM_182914.3(SYNE2):c.10506C>T (p.Ala3502=)

Gene: SYNE2 (spectrin repeat containing nuclear envelope protein 2; plus strand). Cytogenetic location: 14q23.2.
Variant type: single nucleotide variant.
Coding change: c.10506C>T on transcript NM_182914.3 (MANE Select); coding-DNA position 10506, C replaced by T.
Protein change: p.Ala3502=; no amino-acid change (alanine 3502 retained).
Molecular consequence: synonymous variant.
Genome position (GRCh38, 1-based): chr14:64,070,719, C>T. VCF-style: chr14-64070719-C-T. GRCh37 (hg19) VCF-style: chr14-64537437-C-T.
Other names: c.10506C>T, p.Ala3502= (NM_015180.6).
Identifiers: ClinVar variation 4874941 (VCV004874941.2).

ClinVar aggregate classification (germline): Likely benign (1 of 4 stars; one submission).

Submission:

CeGaT Center for Human Genetics Tuebingen
Classification: Likely benign. Last evaluated: 2026-05-01. Review status: criteria provided, single submitter. Criteria: CeGaT Center For Human Genetics Tuebingen Variant Classification Criteria Version 2. Collection method: clinical testing. Allele origin: germline. Affected: yes. Observed: 1 variant allele.
Comment: SYNE2: PM2:Supporting, BP4, BP7